The following is an entry in ClinVar:

ClinVar aggregate classification (germline): Conflicting classifications of pathogenicity. Review status: criteria provided, conflicting classifications (1 of 4 stars). 4 submissions from 4 submitters: Uncertain significance (2); Likely benign (1). 1 of the submissions does not count toward it. Last evaluated 2026-01-27.

Conditions:
CPT2-related disorder. Also called: CPT2-related condition.
Carnitine palmitoyltransferase II deficiency. Also called: Carnitine Palmitoyltransferase 2 Deficiency. Identifiers: Orphanet 157, MedGen C0342790, MONDO:0015515.

Allele frequency attached by ClinVar (database versions not stated): gnomAD exomes 0.00011 and 0.00033; ExAC 0.00049; 1000 Genomes Project 30x 0.00125; gnomAD 0.00134 and 0.00143; TOPMed 0.00149; ESP Exome Variant Server 0.00154; 1000 Genomes Project 0.00160.
gnomAD v4.1: 360 of 1,614,096 alleles (0.022%); highest among the groups gnomAD compares: African/African-American, 0.45%; no homozygotes.

Submissions (5):

Labcorp Genetics (formerly Invitae), Labcorp
Classification: Likely benign for Carnitine palmitoyltransferase II deficiency. Last evaluated: 2026-01-27. Review status: criteria provided, single submitter. Criteria: Invitae Variant Classification Sherloc (09022015). Collection method: clinical testing. Allele origin: germline.

Mayo Clinic Laboratories, Mayo Clinic
Classification: Uncertain significance. Last evaluated: 2025-05-02. Review status: criteria provided, single submitter. Criteria: ACMG Guidelines, 2015. Collection method: clinical testing. Allele origin: germline. Observed: 3 variant alleles.
Comment: BS1, PP3

Athena Diagnostics
Classification: Uncertain significance. Last evaluated: 2017-02-15. Review status: criteria provided, single submitter. Criteria: Athena Diagnostics Criteria. Collection method: clinical testing. Allele origin: germline.

PreventionGenetics, part of Exact Sciences
Classification: Likely benign for CPT2-related condition. Last evaluated: 2021-03-03. Review status: no assertion criteria provided. Collection method: clinical testing. Allele origin: germline. Not counted in ClinVar's aggregate classification.
Comment: This variant is classified as likely benign based on ACMG/AMP sequence variant interpretation guidelines (Richards et al. 2015 PMID: 25741868, with internal and published modifications).

Dr. Peter K. Rogan Lab, Western University
No classification provided (evidence only). Condition: Uterine corpus endometrial carcinoma. Review status: no classification provided. Collection method: in vitro. Allele origin: not applicable. Functional consequence: skipped exon. Not counted in ClinVar's aggregate classification.

NM_000098.3(CPT2):c.932A>G (p.Asn311Ser)

Gene: CPT2 (carnitine palmitoyltransferase 2; plus strand). Cytogenetic location: 1p32.3.
Variant type: single nucleotide variant.
Coding change: c.932A>G on transcript NM_000098.3 (MANE Select); coding-DNA position 932, A replaced by G.
Protein change: p.Asn311Ser; replaces asparagine 311 with serine.
Molecular consequence: missense variant.
Genome position (GRCh38, 1-based): chr1:53,210,606, A>G. VCF-style: chr1-53210606-A-G. GRCh37 (hg19) VCF-style: chr1-53676278-A-G.
Other names: c.932A>G, p.Asn311Ser (NM_001330589.2); short protein forms N311S.
Identifiers: ClinVar variation 447221 (VCV000447221.17), dbSNP rs142790440, ClinGen allele CA859085.